The following is an entry in ClinVar:

NM_001130823.3(DNMT1):c.3117-9C>T

Gene: DNMT1 (DNA methyltransferase 1; minus strand). Cytogenetic location: 19p13.2.
Variant type: single nucleotide variant.
Coding change: c.3117-9C>T on transcript NM_001130823.3 (MANE Select); 9 bases into the intron before coding-DNA position 3117, C replaced by T.
Molecular consequence: intron variant.
Genome position (GRCh38, 1-based): chr19:10,142,229, G>A on the plus strand (C>T on the coding strand, the complement: DNMT1 is on the minus strand). VCF-style: chr19-10142229-G-A. GRCh37 (hg19) VCF-style: chr19-10252905-G-A.
Other names: c.3117-9C>T (NM_001130823.2, LRG_362t1); c.2754-9C>T (NM_001318731.2); c.3069-9C>T (NM_001379.4, NM_001318730.2).
Identifiers: ClinVar variation 381317 (VCV000381317.18), dbSNP rs199546819, ClinGen allele CA9187836.

ClinVar aggregate classification (germline): Likely benign. Review status: criteria provided, multiple submitters, no conflicts (2 of 4 stars). 5 submissions from 5 submitters: Likely benign (4). 1 of the submissions does not count toward it. Last evaluated 2025-10-01.

Conditions:
Hereditary sensory neuropathy-deafness-dementia syndrome. Also called: HSN IE; Hereditary sensory neuropathy type IE; Hereditary Sensory and Autonomic Neuropathy Type 1E (HSAN1E); NEUROPATHY, HEREDITARY SENSORY, WITH HEARING LOSS AND DEMENTIA. Identifiers: Orphanet 456318, MedGen C3279885, MONDO:0013584, OMIM 614116.
DNMT1-related disorder. Also called: DNMT1-related condition. Identifiers: MedGen CN381527.

Allele frequency attached by ClinVar (database versions not stated): gnomAD 0.00017 and 0.00019; gnomAD exomes 0.00020; TOPMed 0.00021; ExAC 0.00022; ESP Exome Variant Server 0.00046.
gnomAD v4.1: 316 of 1,613,846 alleles (0.02%); highest among the groups gnomAD compares: Non-Finnish European, 0.023%; 2 homozygotes.

Submissions (5):

Labcorp Genetics (formerly Invitae), Labcorp
Classification: Likely benign for Hereditary sensory neuropathy-deafness-dementia syndrome. Last evaluated: 2025-10-01. Review status: criteria provided, single submitter. Criteria: Invitae Variant Classification Sherloc (09022015). Collection method: clinical testing. Allele origin: germline.

Blueprint Genetics
Classification: Likely benign. Last evaluated: 2024-11-22. Review status: criteria provided, single submitter. Criteria: ACMG Guidelines, 2015. Collection method: clinical testing. Allele origin: germline.

ARUP Laboratories, Molecular Genetics and Genomics, ARUP Laboratories
Classification: Likely benign. Last evaluated: 2023-11-29. Review status: criteria provided, single submitter. Criteria: ARUP Molecular Germline Variant Investigation Process 2024. Collection method: clinical testing. Allele origin: germline.

GeneDx
Classification: Likely benign. Last evaluated: 2019-11-11. Review status: criteria provided, single submitter. Criteria: GeneDx Variant Classification Process June 2021. Collection method: clinical testing. Allele origin: germline. Affected: yes.

PreventionGenetics, part of Exact Sciences
Classification: Likely benign for DNMT1-related condition. Last evaluated: 2019-06-25. Review status: no assertion criteria provided. Collection method: clinical testing. Allele origin: germline. Not counted in ClinVar's aggregate classification.
Comment: This variant is classified as likely benign based on ACMG/AMP sequence variant interpretation guidelines (Richards et al. 2015 PMID: 25741868, with internal and published modifications).